The following is an entry in ClinVar:

ClinVar aggregate classification (germline): Uncertain significance (1 of 4 stars; one submission).

Submission:

Labcorp Genetics (formerly Invitae), Labcorp
Classification: Uncertain significance. Last evaluated: 2023-10-29. Review status: criteria provided, single submitter. Criteria: Invitae Variant Classification Sherloc (09022015). Collection method: clinical testing. Allele origin: germline.
Comment: This sequence change replaces glycine, which is neutral and non-polar, with serine, which is neutral and polar, at codon 37 of the DGAT1 protein (p.Gly37Ser). This variant is not present in population databases (gnomAD no frequency). This variant has not been reported in the literature in individuals affected with DGAT1-related conditions. ClinVar contains an entry for this variant (Variation ID: 1367622). Algorithms developed to predict the effect of missense changes on protein structure and function output the following: SIFT: "Not Available"; PolyPhen-2: "Not Available"; Align-GVGD: "Not Available". The serine amino acid residue is found in multiple mammalian species, which suggests that this missense change does not adversely affect protein function. In summary, the available evidence is currently insufficient to determine the role of this variant in disease. Therefore, it has been classified as a Variant of Uncertain Significance.

NM_012079.6(DGAT1):c.109G>A (p.Gly37Ser)

Genes: DGAT1 (diacylglycerol O-acyltransferase 1; minus strand), LOC130001385 (ATAC-STARR-seq lymphoblastoid silent region 19672; plus strand). Cytogenetic location: 8q24.3.
Variant type: single nucleotide variant.
Coding change: c.109G>A on transcript NM_012079.6 (MANE Select); coding-DNA position 109, G replaced by A.
Protein change: p.Gly37Ser; replaces glycine 37 with serine.
Molecular consequence: missense variant.
Genome position (GRCh38, 1-based): chr8:144,326,528, C>T on the plus strand (G>A on the coding strand, the complement: DGAT1 is on the minus strand). VCF-style: chr8-144326528-C-T. GRCh37 (hg19) VCF-style: chr8-145550191-C-T.
Other names: short protein forms G37S.
Identifiers: ClinVar variation 1367622 (VCV001367622.8), dbSNP rs2130551056, ClinGen allele CA372613374.